The following is an entry in ClinVar:

ClinVar aggregate classification (germline): Uncertain significance (1 of 4 stars; one submission).

Submission:

Greenwood Genetic Center Diagnostic Laboratories, Greenwood Genetic Center
Classification: Uncertain significance. Last evaluated: 2023-07-10. Review status: criteria provided, single submitter. Criteria: ACMG Guidelines, 2015. Collection method: clinical testing. Allele origin: germline. Affected: yes.
Comment: PM2, PP3

NM_006593.4(TBR1):c.919G>A (p.Gly307Arg)

Gene: TBR1 (T-box brain transcription factor 1; plus strand). Cytogenetic location: 2q24.2.
Variant type: single nucleotide variant.
Coding change: c.919G>A on transcript NM_006593.4 (MANE Select); coding-DNA position 919, G replaced by A.
Protein change: p.Gly307Arg; replaces glycine 307 with arginine.
Molecular consequence: missense variant.
Genome position (GRCh38, 1-based): chr2:161,418,272, G>A. VCF-style: chr2-161418272-G-A. GRCh37 (hg19) VCF-style: chr2-162274783-G-A.
Other names: short protein forms G307R.
Identifiers: ClinVar variation 2626977 (VCV002626977.1), dbSNP rs1553510392, ClinGen allele CA349212522.